The following is an entry in ClinVar:

ClinVar aggregate classification (germline): Pathogenic (1 of 4 stars; one submission).

Conditions:
Tumor predisposition syndrome 3 (TPDS3). Also called: Melanoma, cutaneous malignant, susceptibility to, 10; Glioma susceptibility 9; LONG TELOMERE SYNDROME, POT1-RELATED; POT1 Tumor Predisposition. Identifiers: Orphanet 618, MedGen C4014476, MONDO:0014368, OMIM 615848.

Submission:

Labcorp Genetics (formerly Invitae), Labcorp
Classification: Pathogenic for Tumor predisposition syndrome 3. Last evaluated: 2025-05-05. Review status: criteria provided, single submitter. Criteria: Invitae Variant Classification Sherloc (09022015). Collection method: clinical testing. Allele origin: germline.
Comment: This sequence change creates a premature translational stop signal (p.Ile494Lysfs*15) in the POT1 gene. It is expected to result in an absent or disrupted protein product. Loss-of-function variants in POT1 are known to be pathogenic (PMID: 32155570). This variant is not present in population databases (gnomAD no frequency). This variant has not been reported in the literature in individuals affected with POT1-related conditions. For these reasons, this variant has been classified as Pathogenic.

Literature cited by the submitters: PubMed 32155570.

NM_015450.3(POT1):c.1481_1484del (p.Ile494fs)

Gene: POT1 (protection of telomeres 1; minus strand). Cytogenetic location: 7q31.33.
Variant type: Deletion.
Coding change: c.1481_1484del on transcript NM_015450.3 (MANE Select); coding-DNA positions 1481 to 1484, 4 bases deleted (TACA; older notation c.1481_1484delTACA).
Protein change: p.Ile494fs; shifts the reading frame from isoleucine 494.
Molecular consequence: frameshift variant. On other transcripts: non-coding transcript variant (3).
Genome position (GRCh38, 1-based): chr7:124,835,300-124,835,303, TGTA deleted on the plus strand (TACA on the coding strand, the reverse complement: POT1 is on the minus strand); deleting any 4 consecutive bases within chr7:124,835,300-124,835,304 gives the same sequence; the c. name uses the placement nearest the transcript's 3' end. VCF-style (leftmost placement, unchanged base first): chr7-124835299-TTGTA-T. GRCh37 (hg19) VCF-style: chr7-124475353-TTGTA-T.
Other names: c.1088_1091del, p.Ile363fs (NM_001042594.2); short protein forms I363fs, I494fs.
Identifiers: ClinVar variation 4715145 (VCV004715145.1).